The following is an entry in ClinVar:

NM_000057.4(BLM):c.2657A>C (p.His886Pro)

Gene: BLM (BLM RecQ like helicase; plus strand). Cytogenetic location: 15q26.1.
Variant type: single nucleotide variant.
Coding change: c.2657A>C on transcript NM_000057.4 (MANE Select); coding-DNA position 2657, A replaced by C.
Protein change: p.His886Pro; replaces histidine 886 with proline.
Molecular consequence: missense variant.
Genome position (GRCh38, 1-based): chr15:90,782,923, A>C. VCF-style: chr15-90782923-A-C. GRCh37 (hg19) VCF-style: chr15-91326153-A-C.
Other names: c.2657A>C, p.His886Pro (NM_001287246.2, NM_001287247.2); c.1532A>C, p.His511Pro (NM_001287248.2); c.2657A>C (NM_000057.3); short protein forms H511P, H886P.
Identifiers: ClinVar variation 1477387 (VCV001477387.11), dbSNP rs1420145471, ClinGen allele CA393845819.

ClinVar aggregate classification (germline): Uncertain significance. Review status: criteria provided, multiple submitters, no conflicts (2 of 4 stars). 3 submissions from 3 submitters: Uncertain significance (3). Last evaluated 2025-10-01.

Conditions:
Hereditary cancer-predisposing syndrome. Also called: Neoplastic Syndromes, Hereditary; Hereditary Cancer Syndrome; Tumor predisposition; Hereditary neoplastic syndrome. Identifiers: Orphanet 140162, MedGen C0027672, MeSH D009386, MONDO:0015356.
Bloom syndrome (BLM). Also called: Bloom-Torre-Machacek syndrome. Identifiers: Orphanet 125, MedGen C0005859, MONDO:0008876, OMIM 210900.

Allele frequency attached by ClinVar (database versions not stated): gnomAD 0.00001; TOPMed 0.00001.
gnomAD v4.1: 1 of 1,608,400 alleles (0.000062%); highest among the groups gnomAD compares: Admixed American, 0.0017%; no homozygotes.

Submissions (3):

Labcorp Genetics (formerly Invitae), Labcorp
Classification: Uncertain significance for Bloom syndrome. Last evaluated: 2025-10-01. Review status: criteria provided, single submitter. Criteria: Invitae Variant Classification Sherloc (09022015). Collection method: clinical testing. Allele origin: germline.
Comment: This sequence change replaces histidine, which is basic and polar, with proline, which is neutral and non-polar, at codon 886 of the BLM protein (p.His886Pro). This variant is not present in population databases (gnomAD no frequency). This variant has not been reported in the literature in individuals affected with BLM-related conditions. ClinVar contains an entry for this variant (Variation ID: 1477387). Invitae Evidence Modeling of protein sequence and biophysical properties (such as structural, functional, and spatial information, amino acid conservation, physicochemical variation, residue mobility, and thermodynamic stability) indicates that this missense variant is not expected to disrupt BLM protein function with a negative predictive value of 80%. RNA analysis performed to evaluate the impact of this missense change on mRNA splicing indicates it does not significantly alter splicing (internal data). In summary, the available evidence is currently insufficient to determine the role of this variant in disease. Therefore, it has been classified as a Variant of Uncertain Significance.

Ambry Genetics
Classification: Uncertain significance for Hereditary cancer-predisposing syndrome. Last evaluated: 2023-12-16. Review status: criteria provided, single submitter. Criteria: Ambry Variant Classification Scheme 2023. Collection method: clinical testing. Allele origin: germline.
Comment: The p.H886P variant (also known as c.2657A>C), located in coding exon 12 of the BLM gene, results from an A to C substitution at nucleotide position 2657. The histidine at codon 886 is replaced by proline, an amino acid with similar properties. This amino acid position is conserved. In addition, the in silico prediction for this alteration is inconclusive. Since supporting evidence is limited at this time, the clinical significance of this alteration remains unclear.

Quest Diagnostics Nichols Institute San Juan Capistrano
Classification: Uncertain significance. Last evaluated: 2023-08-22. Review status: criteria provided, single submitter. Criteria: Quest Diagnostics criteria. Collection method: clinical testing. Allele origin: unknown.
Comment: This variant has not been reported in the published literature. It also has not been reported in large, multi-ethnic general populations (Genome Aggregation Database). Analysis of this variant using bioinformatics tools for the prediction of the effect of amino acid changes on protein structure and function yielded predictions that this variant is benign. Based on the available information, we are unable to determine the clinical significance of this variant.